The following is an entry in ClinVar:

ClinVar aggregate classification (germline): Uncertain significance. Review status: criteria provided, multiple submitters, no conflicts (2 of 4 stars). 7 submissions from 7 submitters: Uncertain significance (7). Last evaluated 2026-01-07.

Conditions:
POLG-related disorder. Also called: POLG-Related Spectrum Disorders; POLG-related condition; POLG-Related Disorders. Identifiers: MedGen C4763519.
Progressive sclerosing poliodystrophy (MTDPS4A). Also called: Mitochondrial DNA Depletion Syndrome 4A; ALPERS PROGRESSIVE INFANTILE POLIODYSTROPHY; Alpers Syndrome; NEURONAL DEGENERATION OF CHILDHOOD WITH LIVER DISEASE, PROGRESSIVE; Alpers-Huttenlocher Syndrome (AHS); ALPERS DIFFUSE DEGENERATION OF CEREBRAL GRAY MATTER WITH HEPATIC CIRRHOSIS. Identifiers: Orphanet 726, MedGen C0205710, MONDO:0008758, OMIM 203700.
Inborn genetic diseases. Identifiers: MedGen C0950123, MeSH D030342.

Allele frequency attached by ClinVar (database versions not stated): gnomAD exomes 0.00001; gnomAD 0.00002; TOPMed 0.00002.
gnomAD v4.1: 21 of 1,613,994 alleles (0.0013%); highest among the groups gnomAD compares: Non-Finnish European, 0.0017%; no homozygotes.

Submissions (7):

Labcorp Genetics (formerly Invitae), Labcorp
Classification: Uncertain significance for Progressive sclerosing poliodystrophy. Last evaluated: 2026-01-07. Review status: criteria provided, single submitter. Criteria: Invitae Variant Classification Sherloc (09022015). Collection method: clinical testing. Allele origin: germline.
Comment: This sequence change replaces glutamic acid, which is acidic and polar, with lysine, which is basic and polar, at codon 1000 of the POLG protein (p.Glu1000Lys). This variant is present in population databases (no rsID available, gnomAD 0.002%). This variant has not been reported in the literature in individuals affected with POLG-related conditions. ClinVar contains an entry for this variant (Variation ID: 619429). Invitae Evidence Modeling of protein sequence and biophysical properties (such as structural, functional, and spatial information, amino acid conservation, physicochemical variation, residue mobility, and thermodynamic stability) has been performed for this missense variant. However, the output from this modeling did not meet the statistical confidence thresholds required to predict the impact of this variant on POLG protein function. In summary, the available evidence is currently insufficient to determine the role of this variant in disease. Therefore, it has been classified as a Variant of Uncertain Significance.

GeneDx
Classification: Uncertain significance. Last evaluated: 2025-09-17. Review status: criteria provided, single submitter. Criteria: GeneDx Variant Classification Process June 2021. Collection method: clinical testing. Allele origin: germline.
Comment: Not observed at significant frequency in large population cohorts (gnomAD); In silico analysis indicates that this missense variant does not alter protein structure/function; Has not been previously published as pathogenic or benign to our knowledge

PreventionGenetics, part of Exact Sciences
Classification: Uncertain significance for POLG-related condition. Last evaluated: 2025-05-27. Review status: criteria provided, single submitter. Criteria: ACMG Guidelines, 2015. Collection method: clinical testing. Allele origin: germline.
Comment: The POLG c.2998G>A variant is predicted to result in the amino acid substitution p.Glu1000Lys. To our knowledge, this variant has not been reported in the literature. This variant is reported in 0.0018% of alleles in individuals of European (Non-Finnish) descent in gnomAD. At this time, the clinical significance of this variant is uncertain due to the absence of conclusive functional and genetic evidence.

Athena Diagnostics
Classification: Uncertain significance. Last evaluated: 2022-11-17. Review status: criteria provided, single submitter. Criteria: Athena Diagnostics Criteria. Collection method: clinical testing. Allele origin: unknown.
Comment: Available data are insufficient to determine the clinical significance of the variant at this time. The frequency of this variant in the general population is uninformative in assessment of its pathogenicity. Computational tools predict that this variant is not damaging.

Mayo Clinic Laboratories, Mayo Clinic
Classification: Uncertain significance. Last evaluated: 2021-12-02. Review status: criteria provided, single submitter. Criteria: ACMG Guidelines, 2015. Collection method: clinical testing. Allele origin: germline. Observed: 1 variant allele.

Ambry Genetics
Classification: Uncertain significance for Inborn genetic diseases. Last evaluated: 2021-01-05. Review status: criteria provided, single submitter. Criteria: Ambry Variant Classification Scheme 2023. Collection method: clinical testing. Allele origin: germline.
Comment: The c.2998G>A (p.E1000K) alteration is located in exon 19 (coding exon 18) of the POLG gene. This alteration results from a G to A substitution at nucleotide position 2998, causing the glutamic acid (E) at amino acid position 1000 to be replaced by a lysine (K). The in silico prediction for the p.E1000K alteration is inconclusive. Based on insufficient or conflicting evidence, the clinical significance of this alteration remains unclear.

Wong Mito Lab, Molecular and Human Genetics, Baylor College of Medicine
Classification: Uncertain significance for Progressive sclerosing poliodystrophy. Last evaluated: 2018-10-01. Review status: criteria provided, single submitter. Criteria: ACMG Guidelines, 2015. Collection method: clinical testing. Allele origin: germline.
Comment: The NM_002693.2:c.2998G>A (NP_002684.1:p.Glu1000Lys) [GRCH38: NC_000015.10:g.89319334C>T] variant in POLG gene is interpretated to be a Uncertain Significance based on ACMG guidelines (PMID: 25741868). This variant meets the following evidence codes reported in the ACMG-guideline. PM2:This variant is absent in key population databases. PP3:Computational evidence/predictors indicate the variant has deleterious effect on POLG structure, function, or protein-protein interaction. Based on the evidence criteria codes applied, the variant is suggested to be Uncertain Significance.

NM_002693.3(POLG):c.2998G>A (p.Glu1000Lys)

Gene: POLG (DNA polymerase gamma, catalytic subunit; minus strand). Cytogenetic location: 15q26.1.
Variant type: single nucleotide variant.
Coding change: c.2998G>A on transcript NM_002693.3 (MANE Select); coding-DNA position 2998, G replaced by A.
Protein change: p.Glu1000Lys; replaces glutamic acid 1000 with lysine.
Molecular consequence: missense variant.
Genome position (GRCh38, 1-based): chr15:89,319,334, C>T on the plus strand (G>A on the coding strand, the complement: POLG is on the minus strand). VCF-style: chr15-89319334-C-T. GRCh37 (hg19) VCF-style: chr15-89862565-C-T.
Other names: p.Glu1000Lys; c.2998G>A, p.Glu1000Lys (NM_001126131.2); short protein forms E1000K.
Identifiers: ClinVar variation 619429 (VCV000619429.12), dbSNP rs1412887168, ClinGen allele CA10602251.
Genomic context (GRCh38, chr15:89,319,334, plus strand): 5'-TCCAGCCACCCTCAGTCCTGTCCACTGGGAGGTTCAACTCCCTCACCAGCCACTCGCCCT[C>T]ATCCGACAGCCGATACCTGGGGGCAGTGTTATCACCATCATTCCACGGGAGTGCTTCCTG-3'
Protein context (NP_002684.1, residues 990-1010): KGLRWYRLSD[Glu1000Lys]GEWLVRELNL